The following is an entry in ClinVar:

NM_002294.3(LAMP2):c.584_585insGC (p.Thr196fs)

Gene: LAMP2 (lysosome associated membrane protein 2; minus strand). Cytogenetic location: Xq24.
Variant type: Insertion.
Coding change: c.584_585insGC on transcript NM_002294.3 (MANE Select); coding-DNA positions 584 to 585, GC inserted.
Protein change: p.Thr196fs; shifts the reading frame from threonine 196.
Molecular consequence: frameshift variant.
Genome position: GRCh38 VCF-style: chrX-120447997-T-TGC. GRCh37 (hg19) VCF-style: chrX-119581852-T-TGC.
Other names: c.584_585insGC, p.Thr196fs (NM_001122606.1, NM_013995.2); short protein forms T196fs.
Identifiers: ClinVar variation 1806359 (VCV001806359.1), dbSNP rs2520884782, ClinGen allele CA1139532822.

ClinVar aggregate classification (germline): Pathogenic (1 of 4 stars; one submission).

Conditions:
Danon disease. Also called: PSEUDOGLYCOGENOSIS II; Glycogen Storage Disease Type IIb; ANTOPOL DISEASE; GSD IIb; LYSOSOMAL GLYCOGEN STORAGE DISEASE WITHOUT ACID MALTASE DEFICIENCY. Identifiers: Orphanet 34587, MedGen C0878677, MONDO:0010281, OMIM 300257.

Submission:

Victorian Clinical Genetics Services, Murdoch Childrens Research Institute
Classification: Pathogenic for Danon disease. Last evaluated: 2020-10-19. Review status: criteria provided, single submitter. Criteria: ACMG Guidelines, 2015. Collection method: clinical testing. Allele origin: germline. Inheritance: X-linked dominant inheritance. Affected: yes.
Comment: Based on the classification scheme VCGS_Germline_v1.1.1, this variant is classified as Pathogenic. Following criteria are met: 0102 - Loss-of-function is a known mechanism of disease for this gene. (N) 0110 - This gene is known to be associated with X-linked dominant disease. (N) 0201 - Variant is predicted to cause nonsense-mediated decay (NMD) and loss of protein (Exon 5 of 9). (P) 0254 - Variant is suspected mosaic. Variant appeared heterozygous when it should be hemizygous. (N) 0301 - Variant is absent from gnomAD. (P) 0507 - Identified variant type is not compatible with in-silico predictions of pathogenicity, as this is an insertion variant causing a frameshift. (N) 0701 - Comparable variants have very strong previous evidence for pathogenicity. There are >10 NMD predicted variants reported as likely pathogenic or pathogenic (ClinVar, Cheng, Z. & Fang, Q. (2012)). (P) 0807 - Variant has not previously been reported in a clinical context. (N) 0905 - No segregation evidence has been identified for this variant. (N) 1007 - No published functional evidence has been identified for this variant. (N) Legend: (P) - Pathogenic, (N) - Neutral, (B) - Benign

Literature cited by the submitters: PubMed 22695892.